The following is an entry in ClinVar:

NM_002067.5(GNA11):c.534C>T (p.Asp178=)

Gene: GNA11 (G protein subunit alpha 11; plus strand). Cytogenetic location: 19p13.3.
Variant type: single nucleotide variant.
Coding change: c.534C>T on transcript NM_002067.5 (MANE Select); coding-DNA position 534, C replaced by T.
Protein change: p.Asp178=; no amino-acid change (aspartic acid 178 retained).
Molecular consequence: synonymous variant.
Genome position (GRCh38, 1-based): chr19:3,115,001, C>T. VCF-style: chr19-3115001-C-T. GRCh37 (hg19) VCF-style: chr19-3114999-C-T.
Other names: c.534C>T (NM_002067.4).
Identifiers: ClinVar variation 1154044 (VCV001154044.12), dbSNP rs146295413, ClinGen allele CA9074908.

ClinVar aggregate classification (germline): Likely benign. Review status: criteria provided, multiple submitters, no conflicts (2 of 4 stars). 3 submissions from 3 submitters: Likely benign (2). 1 of the submissions does not count toward it. Last evaluated 2024-10-13.

Conditions:
GNA11-related disorder. Also called: GNA11-related condition.

Allele frequency attached by ClinVar (database versions not stated): gnomAD 0.00001; TOPMed 0.00003; gnomAD exomes 0.00006 and 0.00010; ExAC 0.00007; ESP Exome Variant Server 0.00015.
gnomAD v4.1: 152 of 1,613,006 alleles (0.0094%); highest among the groups gnomAD compares: East Asian, 0.018%; no homozygotes.

Submissions (3):

Labcorp Genetics (formerly Invitae), Labcorp
Classification: Likely benign. Last evaluated: 2024-10-13. Review status: criteria provided, single submitter. Criteria: Invitae Variant Classification Sherloc (09022015). Collection method: clinical testing. Allele origin: germline.

Blueprint Genetics
Classification: Likely benign. Last evaluated: 2024-03-06. Review status: criteria provided, single submitter. Criteria: ACMG Guidelines, 2015. Collection method: clinical testing. Allele origin: germline.

PreventionGenetics, part of Exact Sciences
Classification: Likely benign for GNA11-related condition. Last evaluated: 2021-06-16. Review status: no assertion criteria provided. Collection method: clinical testing. Allele origin: germline. Not counted in ClinVar's aggregate classification.
Comment: This variant is classified as likely benign based on ACMG/AMP sequence variant interpretation guidelines (Richards et al. 2015 PMID: 25741868, with internal and published modifications).